The following is an entry in ClinVar:

ClinVar aggregate classification (germline): Uncertain significance (1 of 4 stars; one submission).

Conditions:
Hereditary cancer-predisposing syndrome. Also called: Hereditary neoplastic syndrome; Neoplastic Syndromes, Hereditary; Tumor predisposition; Hereditary Cancer Syndrome. Identifiers: Orphanet 140162, MedGen C0027672, MeSH D009386, MONDO:0015356.

Submission:

Ambry Genetics
Classification: Uncertain significance for Hereditary cancer-predisposing syndrome. Last evaluated: 2025-08-25. Review status: criteria provided, single submitter. Criteria: Ambry Variant Classification Scheme 2023. Collection method: clinical testing. Allele origin: germline.
Comment: The p.P25A variant (also known as c.73C>G), located in coding exon 1 of the NTHL1 gene, results from a C to G substitution at nucleotide position 73. The proline at codon 25 is replaced by alanine, an amino acid with highly similar properties. This amino acid position is conserved. In addition, this alteration is predicted to be tolerated by in silico analysis. Based on the available evidence, the clinical significance of this variant remains unclear.

NM_002528.7(NTHL1):c.49C>G (p.Pro17Ala)

Gene: NTHL1 (nth like DNA glycosylase 1; minus strand). Cytogenetic location: 16p13.3.
Variant type: single nucleotide variant.
Coding change: c.49C>G on transcript NM_002528.7 (MANE Select); coding-DNA position 49, C replaced by G.
Protein change: p.Pro17Ala; replaces proline 17 with alanine.
Molecular consequence: missense variant. On other transcripts: 5 prime UTR variant (1).
Genome position (GRCh38, 1-based): chr16:2,047,775, G>C on the plus strand (C>G on the coding strand, the complement: NTHL1 is on the minus strand). VCF-style: chr16-2047775-G-C. GRCh37 (hg19) VCF-style: chr16-2097776-G-C.
Other names: c.49C>G, p.Pro17Ala (NM_001318193.2); c.-130C>G (NM_001318194.2); short protein forms P17A.
Identifiers: ClinVar variation 4123328 (VCV004123328.1).